The following is an entry in ClinVar:

ClinVar aggregate classification (germline): Likely benign (1 of 4 stars; one submission).

Conditions:
PAX4-related disorder. Also called: PAX4-related condition.

Submission:

PreventionGenetics, part of Exact Sciences
Classification: Likely benign for PAX4-related condition. Last evaluated: 2025-05-12. Review status: criteria provided, single submitter. Criteria: ACMG Guidelines, 2015. Collection method: clinical testing. Allele origin: germline.
Comment: This variant is classified as likely benign based on ACMG/AMP sequence variant interpretation guidelines (Richards et al. 2015 PMID: 25741868, with internal and published modifications).

NM_001366110.1(PAX4):c.630T>C (p.Pro210=)

Gene: PAX4 (paired box 4; minus strand). Cytogenetic location: 7q32.1.
Variant type: single nucleotide variant.
Coding change: c.630T>C on transcript NM_001366110.1 (MANE Select); coding-DNA position 630, T replaced by C.
Protein change: p.Pro210=; no amino-acid change (proline 210 retained).
Molecular consequence: synonymous variant.
Genome position (GRCh38, 1-based): chr7:127,613,465, A>G on the plus strand (T>C on the coding strand, the complement: PAX4 is on the minus strand). VCF-style: chr7-127613465-A-G. GRCh37 (hg19) VCF-style: chr7-127253519-A-G.
Other names: NM_006193.2:c.606T>C; c.630T>C, p.Pro210= (NM_001366111.1).
Identifiers: ClinVar variation 4986254 (VCV004986254.1).